The following is an entry in ClinVar:

ClinVar aggregate classification (germline): Uncertain significance (1 of 4 stars; one submission).

Conditions:
Deficiency of 3-hydroxyacyl-CoA dehydrogenase. Also called: HADH DEFICIENCY; 3-hydroxyacyl-CoA dehydrogenase deficiency. Identifiers: Orphanet 309127, Orphanet 71212, MedGen C1291230, MONDO:0017715, OMIM 231530.

Allele frequency attached by ClinVar (database versions not stated): gnomAD 0.00001; gnomAD exomes 0.00001; TOPMed 0.00001.
gnomAD v4.1: 34 of 1,614,078 alleles (0.0021%); highest among the groups gnomAD compares: African/African-American, 0.008%; no homozygotes.

Submission:

Labcorp Genetics (formerly Invitae), Labcorp
Classification: Uncertain significance for Deficiency of 3-hydroxyacyl-CoA dehydrogenase. Last evaluated: 2022-08-23. Review status: criteria provided, single submitter. Criteria: Invitae Variant Classification Sherloc (09022015). Collection method: clinical testing. Allele origin: germline.
Comment: This sequence change replaces lysine, which is basic and polar, with glutamic acid, which is acidic and polar, at codon 95 of the HADH protein (p.Lys95Glu). This variant is present in population databases (rs536173298, gnomAD 0.008%). This variant has not been reported in the literature in individuals affected with HADH-related conditions. ClinVar contains an entry for this variant (Variation ID: 1378189). Algorithms developed to predict the effect of missense changes on protein structure and function (SIFT, PolyPhen-2, Align-GVGD) all suggest that this variant is likely to be tolerated. In summary, the available evidence is currently insufficient to determine the role of this variant in disease. Therefore, it has been classified as a Variant of Uncertain Significance.

NM_005327.7(HADH):c.283A>G (p.Lys95Glu)

Gene: HADH (hydroxyacyl-CoA dehydrogenase; plus strand). Cytogenetic location: 4q25.
Variant type: single nucleotide variant.
Coding change: c.283A>G on transcript NM_005327.7 (MANE Select); coding-DNA position 283, A replaced by G.
Protein change: p.Lys95Glu; replaces lysine 95 with glutamic acid.
Molecular consequence: missense variant.
Genome position (GRCh38, 1-based): chr4:108,014,452, A>G. VCF-style: chr4-108014452-A-G. GRCh37 (hg19) VCF-style: chr4-108935608-A-G.
Other names: c.283A>G, p.Lys95Glu (NM_001184705.4); c.295A>G, p.Lys99Glu (NM_001331027.2); short protein forms K95E, K99E.
Identifiers: ClinVar variation 1378189 (VCV001378189.5), dbSNP rs536173298, ClinGen allele CA102875100.